The following is an entry in ClinVar:

ClinVar aggregate classification (germline): Likely benign (0 of 4 stars; one submission).

Conditions:
CYP7A1-related disorder. Also called: CYP7A1-related condition.

Allele frequency attached by ClinVar (database versions not stated): gnomAD exomes below 0.00001; ExAC 0.00001; gnomAD 0.00006; ESP Exome Variant Server 0.00008; TOPMed 0.00008.
gnomAD v4.1: 13 of 1,614,006 alleles (0.00081%); highest among the groups gnomAD compares: African/African-American, 0.017%; no homozygotes.

Submission:

PreventionGenetics, part of Exact Sciences
Classification: Likely benign for CYP7A1-related condition. Last evaluated: 2022-11-16. Review status: no assertion criteria provided. Collection method: clinical testing. Allele origin: germline.
Comment: This variant is classified as likely benign based on ACMG/AMP sequence variant interpretation guidelines (Richards et al. 2015 PMID: 25741868, with internal and published modifications).

NM_000780.4(CYP7A1):c.1164T>C (p.Ala388=)

Genes: CYP7A1 (cytochrome P450 family 7 subfamily A member 1; minus strand), LOC126860400 (BRD4-independent group 4 enhancer GRCh37_chr8:59404317-59405516; plus strand). Cytogenetic location: 8q12.1.
Variant type: single nucleotide variant.
Coding change: c.1164T>C on transcript NM_000780.4 (MANE Select); coding-DNA position 1164, T replaced by C.
Protein change: p.Ala388=; no amino-acid change (alanine 388 retained).
Molecular consequence: synonymous variant.
Genome position (GRCh38, 1-based): chr8:58,492,404, A>G on the plus strand (T>C on the coding strand, the complement: CYP7A1 is on the minus strand). VCF-style: chr8-58492404-A-G. GRCh37 (hg19) VCF-style: chr8-59404963-A-G.
Identifiers: ClinVar variation 3030397 (VCV003030397.2), dbSNP rs375300707, ClinGen allele CA4756641.